The following is an entry in ClinVar:

NM_001371623.1(TCOF1):c.4154C>T (p.Thr1385Met)

Gene: TCOF1 (treacle ribosome biogenesis factor 1; plus strand). Cytogenetic location: 5q32.
Variant type: single nucleotide variant.
Coding change: c.4154C>T on transcript NM_001371623.1 (MANE Select); coding-DNA position 4154, C replaced by T.
Protein change: p.Thr1385Met; replaces threonine 1385 with methionine.
Molecular consequence: missense variant.
Genome position (GRCh38, 1-based): chr5:150,396,651, C>T. VCF-style: chr5-150396651-C-T. GRCh37 (hg19) VCF-style: chr5-149776214-C-T.
Other names: c.3920C>T, p.Thr1307Met (NM_000356.4); c.4151C>T, p.Thr1384Met (NM_001135243.2); c.4040C>T, p.Thr1347Met (NM_001135244.2); c.3923C>T, p.Thr1308Met (NM_001135245.2); c.4037C>T, p.Thr1346Met (NM_001195141.2); short protein forms T1347M, T1384M, T1308M, T1307M, T1346M, T1385M.
Identifiers: ClinVar variation 2346461 (VCV002346461.4), dbSNP rs746357519, ClinGen allele CA3511674.

ClinVar aggregate classification (germline): Conflicting classifications of pathogenicity. Review status: criteria provided, conflicting classifications (1 of 4 stars). 2 submissions from 2 submitters: Uncertain significance (1); Likely benign (1). Last evaluated 2024-07-10.

Conditions:
Inborn genetic diseases. Identifiers: MedGen C0950123, MeSH D030342.
Treacher Collins syndrome 1 (TCS1). Also called: TCOF1-Related Treacher Collins Syndrome. Identifiers: Orphanet 861, MedGen CN315775, MONDO:0007944, OMIM 154500.

Allele frequency attached by ClinVar (database versions not stated): TOPMed 0.00003; ExAC 0.00005; gnomAD 0.00005.
gnomAD v4.1: 73 of 1,608,490 alleles (0.0045%); highest among the groups gnomAD compares: Non-Finnish European, 0.0053%; no homozygotes.

Submissions (2):

Labcorp Genetics (formerly Invitae), Labcorp
Classification: Uncertain significance for Treacher Collins syndrome 1. Last evaluated: 2024-07-10. Review status: criteria provided, single submitter. Criteria: Invitae Variant Classification Sherloc (09022015). Collection method: clinical testing. Allele origin: germline.
Comment: This sequence change replaces threonine, which is neutral and polar, with methionine, which is neutral and non-polar, at codon 1384 of the TCOF1 protein (p.Thr1384Met). This variant is present in population databases (rs746357519, gnomAD 0.007%). This variant has not been reported in the literature in individuals affected with TCOF1-related conditions. ClinVar contains an entry for this variant (Variation ID: 2346461). An algorithm developed to predict the effect of missense changes on protein structure and function outputs the following: PolyPhen-2: "Benign". The methionine amino acid residue is found in multiple mammalian species, which suggests that this missense change does not adversely affect protein function. In summary, the available evidence is currently insufficient to determine the role of this variant in disease. Therefore, it has been classified as a Variant of Uncertain Significance.

Ambry Genetics
Classification: Likely benign for Inborn genetic diseases. Last evaluated: 2021-08-16. Review status: criteria provided, single submitter. Criteria: Ambry Variant Classification Scheme 2023. Collection method: clinical testing. Allele origin: germline.